The following is an entry in ClinVar:

ClinVar aggregate classification (germline): Likely pathogenic (1 of 4 stars; one submission).

Conditions:
Primary ciliary dyskinesia 3. Identifiers: Orphanet 244, MedGen C1837618, MONDO:0012085, OMIM 608644.

Submission:

Myriad Genetics, Inc.
Classification: Likely pathogenic for Primary ciliary dyskinesia 3. Last evaluated: 2022-03-20. Review status: criteria provided, single submitter. Criteria: Myriad Women's Health Autosomal Recessive and X-Linked Classification Criteria (2021). Collection method: clinical testing. Allele origin: unknown.
Comment: NM_001369.2(DNAH5):c.6182delA(K2061Sfs*11) is expected to be pathogenic in the context of DNAH5-related primary ciliary dyskinesia. This variant is predicted to lead to an abnormal or absent protein product due to the creation of a premature termination codon in DNAH5, a gene where loss-of-function variants are known to be pathogenic. Please note: this variant was assessed in the context of healthy population screening.

NM_001369.3(DNAH5):c.6182del (p.Lys2061fs)

Gene: DNAH5 (dynein axonemal heavy chain 5; minus strand). Cytogenetic location: 5p15.2.
Variant type: Deletion.
Coding change: c.6182del on transcript NM_001369.3 (MANE Select); coding-DNA position 6182, one base deleted (A; older notation c.6182delA).
Protein change: p.Lys2061fs; shifts the reading frame from lysine 2061.
Molecular consequence: frameshift variant.
Genome position (GRCh38, 1-based): chr5:13,830,093, T deleted on the plus strand (A on the coding strand, the reverse complement: DNAH5 is on the minus strand); the first of 5 consecutive T bases (chr5:13,830,093-13,830,097); deleting any one gives the same sequence. VCF-style (leftmost placement, unchanged base first): chr5-13830092-CT-C. GRCh37 (hg19) VCF-style: chr5-13830201-CT-C.
Other names: short protein forms K2061fs.
Identifiers: ClinVar variation 1725428 (VCV001725428.2), dbSNP rs2546878619, ClinGen allele CA2580072043.